The following is an entry in ClinVar:

ClinVar aggregate classification (germline): Uncertain significance. Review status: criteria provided, multiple submitters, no conflicts (2 of 4 stars). 3 submissions from 3 submitters: Uncertain significance (3). Last evaluated 2026-01-27.

Conditions:
IMPG2-related disorder. Also called: IMPG2-related condition.
Inborn genetic diseases. Identifiers: MedGen C0950123, MeSH D030342.

Allele frequency attached by ClinVar (database versions not stated): gnomAD 0.00001; gnomAD exomes 0.00001 and 0.00003; ExAC 0.00003; TOPMed 0.00003.
gnomAD v4.1: 7 of 1,613,922 alleles (0.00043%); highest among the groups gnomAD compares: East Asian, 0.016%; no homozygotes.

Submissions (3):

PreventionGenetics, part of Exact Sciences
Classification: Uncertain significance for IMPG2-related condition. Last evaluated: 2026-01-27. Review status: criteria provided, single submitter. Criteria: ACMG Guidelines, 2015. Collection method: clinical testing. Allele origin: germline.
Comment: The IMPG2 c.2146T>C variant is predicted to result in the amino acid substitution p.Ser716Pro. To our knowledge, this variant has not been reported in the literature. This variant is reported in 0.040% of alleles in individuals of East Asian descent in gnomAD. At this time, the clinical significance of this variant is uncertain due to the absence of conclusive functional and genetic evidence.

Ambry Genetics
Classification: Uncertain significance for Inborn genetic diseases. Last evaluated: 2023-11-17. Review status: criteria provided, single submitter. Criteria: Ambry Variant Classification Scheme 2023. Collection method: clinical testing. Allele origin: germline.

Labcorp Genetics (formerly Invitae), Labcorp
Classification: Uncertain significance. Last evaluated: 2020-08-27. Review status: criteria provided, single submitter. Criteria: Invitae Variant Classification Sherloc (09022015). Collection method: clinical testing. Allele origin: germline.
Comment: In summary, the available evidence is currently insufficient to determine the role of this variant in disease. Therefore, it has been classified as a Variant of Uncertain Significance. Algorithms developed to predict the effect of missense changes on protein structure and function are either unavailable or do not agree on the potential impact of this missense change (SIFT: "Deleterious"; PolyPhen-2: "Benign"; Align-GVGD: "Class C65"). This variant has not been reported in the literature in individuals with IMPG2-related conditions. This variant is present in population databases (rs779190337, ExAC 0.05%). This sequence change replaces serine with proline at codon 716 of the IMPG2 protein (p.Ser716Pro). The serine residue is highly conserved and there is a moderate physicochemical difference between serine and proline.

NM_016247.4(IMPG2):c.2146T>C (p.Ser716Pro)

Gene: IMPG2 (interphotoreceptor matrix proteoglycan 2; minus strand). Cytogenetic location: 3q12.3.
Variant type: single nucleotide variant.
Coding change: c.2146T>C on transcript NM_016247.4 (MANE Select); coding-DNA position 2146, T replaced by C.
Protein change: p.Ser716Pro; replaces serine 716 with proline.
Molecular consequence: missense variant.
Genome position (GRCh38, 1-based): chr3:101,244,185, A>G on the plus strand (T>C on the coding strand, the complement: IMPG2 is on the minus strand). VCF-style: chr3-101244185-A-G. GRCh37 (hg19) VCF-style: chr3-100963029-A-G.
Other names: c.2146T>C (NM_016247.3); short protein forms S716P.
Identifiers: ClinVar variation 1011395 (VCV001011395.8), dbSNP rs779190337, ClinGen allele CA2519033.